The following is an entry in ClinVar:

ClinVar aggregate classification (germline): Pathogenic/Likely pathogenic. Review status: criteria provided, multiple submitters, no conflicts (2 of 4 stars). 2 submissions from 2 submitters: Pathogenic (1); Likely pathogenic (1). Last evaluated 2024-11-24.

Conditions:
Hypertrophic cardiomyopathy 26. Also called: Cardiomyopathy, familial hypertrophic, 26. Identifiers: Orphanet 75249, MedGen C4310749, MONDO:0014883, OMIM 617047.
Distal myopathy with posterior leg and anterior hand involvement. Also called: WILLIAMS DISTAL MYOPATHY. Identifiers: Orphanet 63273, MedGen C3279722, MONDO:0013550, OMIM 614065.
Myofibrillar myopathy 5. Also called: Filaminopathy (type); FILAMINOPATHY, AUTOSOMAL DOMINANT. Identifiers: Orphanet 171445, MedGen C1836050, MONDO:0012289, OMIM 609524.

Submissions (2):

Labcorp Genetics (formerly Invitae), Labcorp
Classification: Pathogenic for Distal myopathy with posterior leg and anterior hand involvement; Myofibrillar myopathy 5; Hypertrophic cardiomyopathy 26. Last evaluated: 2024-11-24. Review status: criteria provided, single submitter. Criteria: Invitae Variant Classification Sherloc (09022015). Collection method: clinical testing. Allele origin: germline.
Comment: This sequence change creates a premature translational stop signal (p.Phe298Trpfs*48) in the FLNC gene. It is expected to result in an absent or disrupted protein product. Loss-of-function variants in FLNC are known to be pathogenic (PMID: 27908349). This variant is not present in population databases (gnomAD no frequency). This variant has not been reported in the literature in individuals affected with FLNC-related conditions. ClinVar contains an entry for this variant (Variation ID: 931646). For these reasons, this variant has been classified as Pathogenic.

Centre for Mendelian Genomics, University Medical Centre Ljubljana
Classification: Likely pathogenic for Hypertrophic cardiomyopathy 26. Last evaluated: 2019-11-08. Review status: criteria provided, single submitter. Criteria: ACMG Guidelines, 2015. Collection method: clinical testing. Allele origin: unknown. Affected: yes.
Comment: This variant was classified as: Likely pathogenic. The following ACMG criteria were applied in classifying this variant: PVS1,PM2.

Literature cited by the submitters: PubMed 27908349 (cited by Labcorp Genetics (formerly Invitae), Labcorp).

NM_001458.5(FLNC):c.893_908del (p.Phe298fs)

Gene: FLNC (filamin C; plus strand). Cytogenetic location: 7q32.1.
Variant type: Deletion.
Coding change: c.893_908del on transcript NM_001458.5 (MANE Select); coding-DNA positions 893 to 908, 16 bases deleted (TCACCGTGCAGACGGT).
Protein change: p.Phe298fs; shifts the reading frame from phenylalanine 298.
Molecular consequence: frameshift variant.
Genome position (GRCh38, 1-based): chr7:128,837,679-128,837,694, TCACCGTGCAGACGGT deleted; deleting any 16 consecutive bases within chr7:128,837,678-128,837,694 gives the same sequence; the c. name uses the placement nearest the transcript's 3' end. VCF-style (leftmost placement, unchanged base first): chr7-128837677-CTTCACCGTGCAGACGG-C. GRCh37 (hg19) VCF-style: chr7-128477731-CTTCACCGTGCAGACGG-C.
Other names: c.893_908del, p.Phe298fs (NM_001127487.2); short protein forms F298fs.
Identifiers: ClinVar variation 931646 (VCV000931646.5), dbSNP rs1808153476, ClinGen allele CA1139660236.